The following is an entry in ClinVar:

ClinVar aggregate classification (germline): Likely pathogenic. Review status: criteria provided, multiple submitters, no conflicts (2 of 4 stars). 3 submissions from 3 submitters: Likely pathogenic (3). Last evaluated 2025-09-02.

Conditions:
Pheochromocytoma/paraganglioma syndrome 5. Also called: Paragangliomas 5; SDHA-Related Hereditary Paraganglioma-Pheochromocytoma Syndrome. Identifiers: Orphanet 29072, MedGen C3279992, MONDO:0013602, OMIM 614165.
Mitochondrial complex II deficiency, nuclear type 1. Also called: SUCCINATE CoQ REDUCTASE DEFICIENCY. Identifiers: Orphanet 3208, MedGen C5700310, MONDO:0100294, OMIM 252011.
Hereditary cancer-predisposing syndrome. Also called: Tumor predisposition; Neoplastic Syndromes, Hereditary; Hereditary Cancer Syndrome; Hereditary neoplastic syndrome. Identifiers: Orphanet 140162, MedGen C0027672, MeSH D009386, MONDO:0015356.

Submissions (3):

Ambry Genetics
Classification: Likely pathogenic for Hereditary cancer-predisposing syndrome. Last evaluated: 2025-09-02. Review status: criteria provided, single submitter. Criteria: Ambry Variant Classification Scheme 2023. Collection method: clinical testing. Allele origin: germline.
Comment: The c.1261-2A>G intronic variant results from an A to G substitution two nucleotide(s) before coding exon 10 of the SDHA gene. This variant is considered to be rare based on population cohorts in the Genome Aggregation Database (gnomAD). In silico splice site analysis predicts that this alteration will weaken the native splice acceptor site and will result in the creation or strengthening of a novel splice acceptor site. RNA studies have demonstrated that this alteration results in abnormal splicing in the set of samples tested (Ambry internal data). Alterations that disrupt the canonical splice site are expected to cause aberrant splicing, resulting in an abnormal protein or a transcript that is subject to nonsense-mediated mRNA decay. As such, this alteration is classified as likely pathogenic.

Labcorp Genetics (formerly Invitae), Labcorp
Classification: Likely pathogenic for Pheochromocytoma/paraganglioma syndrome 5; Mitochondrial complex II deficiency, nuclear type 1. Last evaluated: 2025-05-26. Review status: criteria provided, single submitter. Criteria: Invitae Variant Classification Sherloc (09022015). Collection method: clinical testing. Allele origin: germline.
Comment: This sequence change affects an acceptor splice site in intron 9 of the SDHA gene. It is expected to disrupt RNA splicing. Variants that disrupt the donor or acceptor splice site typically lead to a loss of protein function (PMID: 16199547), and loss-of-function variants in SDHA are known to be pathogenic (PMID: 22974104, 24781757). This variant is not present in population databases (gnomAD no frequency). This variant has not been reported in the literature in individuals affected with SDHA-related conditions. ClinVar contains an entry for this variant (Variation ID: 664402). Algorithms developed to predict the effect of sequence changes on RNA splicing suggest that this variant may disrupt the consensus splice site. In summary, the currently available evidence indicates that the variant is pathogenic, but additional data are needed to prove that conclusively. Therefore, this variant has been classified as Likely Pathogenic.

Myriad Genetics, Inc.
Classification: Likely pathogenic for Pheochromocytoma/paraganglioma syndrome 5. Last evaluated: 2023-09-08. Review status: criteria provided, single submitter. Criteria: Myriad Autosomal Dominant, Autosomal Recessive and X-Linked Classification Criteria (2023). Collection method: clinical testing. Allele origin: unknown.
Comment: This variant is considered likely pathogenic. This variant occurs within a consensus splice junction and is predicted to result in abnormal mRNA splicing of either an out-of-frame exon or an in-frame exon necessary for protein stability and/or normal function.

Literature cited by the submitters: PubMed 16199547 (cited by Labcorp Genetics (formerly Invitae), Labcorp); PubMed 22974104 (cited by Labcorp Genetics (formerly Invitae), Labcorp); PubMed 24781757 (cited by Labcorp Genetics (formerly Invitae), Labcorp).

NM_004168.4(SDHA):c.1261-2A>G

Gene: SDHA (succinate dehydrogenase complex flavoprotein subunit A; plus strand). Cytogenetic location: 5p15.33.
Variant type: single nucleotide variant.
Coding change: c.1261-2A>G on transcript NM_004168.4 (MANE Select); the canonical splice acceptor site of the intron before coding-DNA position 1261, A replaced by G.
Molecular consequence: splice acceptor variant.
Genome position (GRCh38, 1-based): chr5:236,426, A>G. VCF-style: chr5-236426-A-G. GRCh37 (hg19) VCF-style: chr5-236541-A-G.
Other names: c.1261-2A>G (NM_004168.2, NM_001330758.2); c.1117-2A>G (NM_001294332.2).
Identifiers: ClinVar variation 664402 (VCV000664402.14), dbSNP rs1579409293, ClinGen allele CA359013795.
Genomic context (GRCh38, chr5:236,426, plus strand): 5'-GAAGGTGGGCTGGTGGAGGCATGGGCACCTTGACATTTCACCTGAAATCTTCCTTTCCAC[A>G]GGTCCTGAGGCACGTGAATGGCCAGGATCAGATTGTGCCCGGCCTGTACGCCTGTGGGGA-3'